The following is an entry in ClinVar:

ClinVar aggregate classification (germline): Uncertain significance (1 of 4 stars; one submission).

Allele frequency attached by ClinVar (database versions not stated): ESP Exome Variant Server 0.00015; gnomAD exomes 0.00002.
gnomAD v4.1: 32 of 1,613,820 alleles (0.002%); highest among the groups gnomAD compares: Non-Finnish European, 0.0027%; no homozygotes.

Submission:

GeneDx
Classification: Uncertain significance. Last evaluated: 2016-02-06. Review status: criteria provided, single submitter. Criteria: GeneDx Variant Classification (06012015). Collection method: clinical testing. Allele origin: germline. Affected: yes.
Comment: The W68C variant in the CFC1 gene has not been reported previously as a germline pathogenic variant, nor as a benign variant, to our knowledge. The W68C variant was not observed at any significant frequency in approximately 6500 individuals of European and African American ancestry in the NHLBI Exome Sequencing Project, indicating it is not a common benign variant in these populations. The W68C variant is a non-conservative amino acid substitution, which is likely to impact secondary protein structure as these residues differ in polarity, charge, size and/or other properties. This substitution occurs at a position that is conserved in mammals. In silico analysis is inconsistent in its predictions as to whether or not the variant is damaging to the protein structure/function. We interpret W68C as a variant of uncertain significance.

NM_032545.4(CFC1):c.204G>T (p.Trp68Cys)

Gene: CFC1 (cryptic, EGF-CFC family member 1; minus strand). Cytogenetic location: 2q21.1.
Variant type: single nucleotide variant.
Coding change: c.204G>T on transcript NM_032545.4 (MANE Select); coding-DNA position 204, G replaced by T.
Protein change: p.Trp68Cys; replaces tryptophan 68 with cysteine.
Molecular consequence: missense variant.
Genome position (GRCh38, 1-based): chr2:130,598,685, C>A on the plus strand (G>T on the coding strand, the complement: CFC1 is on the minus strand). VCF-style: chr2-130598685-C-A. GRCh37 (hg19) VCF-style: chr2-131356258-C-A.
Other names: c.204G>T, p.Trp68Cys (NM_001270420.2, NM_001270421.2); short protein forms W68C.
Identifiers: ClinVar variation 420508 (VCV000420508.2), dbSNP rs371700198, ClinGen allele CA1873083.
Genomic context (GRCh38, chr2:130,598,685, plus strand): 5'-GCAGCGCTGCAACTTACCCTCTCCGAAAGCCCGGGAGTAGGGGAGCGGCTCCTCCGGCCC[C>A]CAGCCCTCGGCGCTCCCAGTCACCTCTCCGAAATGACTGGAGGTCCAGTTGAGCGGTGAC-3'
Protein context (NP_115934.1, residues 58-78): FGEVTGSAEG[Trp68Cys]GPEEPLPYSR